The following is an entry in ClinVar:

ClinVar aggregate classification (germline): Uncertain significance (1 of 4 stars; one submission).

Allele frequency attached by ClinVar (database versions not stated): gnomAD exomes below 0.00001.

Submission:

GeneDx
Classification: Uncertain significance. Last evaluated: 2016-07-14. Review status: criteria provided, single submitter. Criteria: GeneDx Variant Classification (06012015). Collection method: clinical testing. Allele origin: germline. Affected: yes.
Comment: A variant of uncertain significance has been identified in the CHRNA4 gene. The A580T variant has not been published as a pathogenic variant, nor has it been reported as a benign variant to our knowledge. It was not observed in approximately 6,500 individuals of European and African American ancestry in the NHLBI Exome Sequencing Project, indicating it is not a common benign variant in these populations. The A580T variant is a non-conservative amino acid substitution, which is likely to impact secondary protein structure as these residues differ in polarity, charge, size and/or other properties. This substitution occurs at a position that is conserved across species. However, this amino acid substitution is not predicted to occur within the transmembrane region of the protein, where the vast majority of pathogenic missense variants have been identified in association with epilepsy (Steinlein et al., 2010). In silico analysis is inconsistent in its predictions as to whether or not the variant is damaging to the protein structure/function. Therefore, based on the currently available information, it is unclear whether this variant is a pathogenic variant or a rare benign variant.

NM_000744.7(CHRNA4):c.1738G>A (p.Ala580Thr)

Gene: CHRNA4 (cholinergic receptor nicotinic alpha 4 subunit; minus strand). Cytogenetic location: 20q13.33.
Variant type: single nucleotide variant.
Coding change: c.1738G>A on transcript NM_000744.7 (MANE Select); coding-DNA position 1738, G replaced by A.
Protein change: p.Ala580Thr; replaces alanine 580 with threonine.
Molecular consequence: missense variant. On other transcripts: non-coding transcript variant (1).
Genome position (GRCh38, 1-based): chr20:63,349,673, C>T on the plus strand (G>A on the coding strand, the complement: CHRNA4 is on the minus strand). VCF-style: chr20-63349673-C-T. GRCh37 (hg19) VCF-style: chr20-61981025-C-T.
Other names: c.1210G>A, p.Ala404Thr (NM_001256573.2); short protein forms A580T, A404T.
Identifiers: ClinVar variation 421633 (VCV000421633.2), dbSNP rs1064795265, ClinGen allele CA16620948.